The following is an entry in ClinVar:

NM_004656.4(BAP1):c.3G>A (p.Met1Ile)

Gene: BAP1 (BRCA1 associated deubiquitinase 1; minus strand). Cytogenetic location: 3p21.1.
Variant type: single nucleotide variant.
Coding change: c.3G>A on transcript NM_004656.4 (MANE Select); coding-DNA position 3, G replaced by A.
Protein change: p.Met1Ile; changes the start codon (methionine 1).
Molecular consequence: missense variant, initiator codon variant.
Genome position (GRCh38, 1-based): chr3:52,409,876, C>T on the plus strand (G>A on the coding strand, the complement: BAP1 is on the minus strand). VCF-style: chr3-52409876-C-T. GRCh37 (hg19) VCF-style: chr3-52443892-C-T.
Other names: c.3G>A, p.Met1Ile (NM_001410772.1); short protein forms M1I.
Identifiers: ClinVar variation 5032743 (VCV005032743.1).
Genomic context (GRCh38, chr3:52,409,876, plus strand): 5'-CCTGGCCCTCCCGGTCCCCTCCTCACCTGGGTCGCTCTCCAGCTCCAGCCAGCCCTTATT[C>T]ATCTTCCCGCGGGGCGGCCCCTCAGCGCCATGTCCAGGCCCTCCCTCCCCACCGCTGCCC-3'
Protein context (NP_004647.1, residues 1-11): [Met1Ile]NKGWLELESD

ClinVar aggregate classification (germline): Pathogenic (1 of 4 stars; one submission).

Conditions:
Hereditary cancer-predisposing syndrome. Also called: Neoplastic Syndromes, Hereditary; Tumor predisposition; Hereditary neoplastic syndrome; Hereditary Cancer Syndrome. Identifiers: Orphanet 140162, MedGen C0027672, MeSH D009386, MONDO:0015356.

Submission:

Ambry Genetics
Classification: Pathogenic for Hereditary cancer-predisposing syndrome. Last evaluated: 2026-07-29. Review status: criteria provided, single submitter. Criteria: Ambry Variant Classification Scheme 2023. Collection method: clinical testing. Allele origin: germline.
Comment: The p.M1? pathogenic mutation (also known as c.3G>A) is located in coding exon 1 of the BAP1 gene and results from a G to A substitution at nucleotide position 3. This alters the methionine residue at the initiation codon (ATG). This variant was reported in individual(s) with features consistent with BAP1-related tumor predisposition syndrome (Djulbegovic, et al. Genes (Basel) 2022 Sep;13(10); Ambry internal data). This variant is considered to be rare based on population cohorts in the Genome Aggregation Database (gnomAD). Sequence variations that modify the initiation codon are expected to result in either loss of translation initiation, N-terminal truncation, or cause a shift in the mRNA reading frame. Based on the supporting evidence, this variant is interpreted as a disease-causing mutation.

Literature cited by the submitters: PubMed 31034483; PubMed 36292588.